The following is an entry in ClinVar:

ClinVar aggregate classification (germline): Uncertain significance (1 of 4 stars; one submission).

Conditions:
Inborn genetic diseases. Identifiers: MedGen C0950123, MeSH D030342.

Allele frequency attached by ClinVar (database versions not stated): gnomAD 0.00001; ExAC 0.00002.

Submission:

Ambry Genetics
Classification: Uncertain significance for Inborn genetic diseases. Last evaluated: 2025-11-26. Review status: criteria provided, single submitter. Criteria: Ambry Variant Classification Scheme 2023. Collection method: clinical testing. Allele origin: germline.
Comment: The c.3364C>T (p.P1122S) alteration is located in exon 26 (coding exon 26) of the C4A gene. This alteration results from a C to T substitution at nucleotide position 3364, causing the proline (P) at amino acid position 1122 to be replaced by a serine (S). Based on data from gnomAD, the T allele has an overall frequency of 0.001% (3/246680) total alleles studied. The highest observed frequency was 0.003% (3/109636) of European (non-Finnish) alleles. Based on insufficient or conflicting evidence, the clinical significance of this alteration remains unclear.

NM_007293.3(C4A):c.3364C>T (p.Pro1122Ser)

Gene: C4A (complement C4A (Chido/Rodgers blood group); plus strand). Cytogenetic location: 6p21.33.
Variant type: single nucleotide variant.
Coding change: c.3364C>T on transcript NM_007293.3 (MANE Select); coding-DNA position 3364, C replaced by T.
Protein change: p.Pro1122Ser; replaces proline 1122 with serine.
Molecular consequence: missense variant.
Genome position (GRCh38, 1-based): chr6:31,996,088, C>T. VCF-style: chr6-31996088-C-T. GRCh37 (hg19) VCF-style: chr6-31963865-C-T.
Other names: c.3364C>T, p.Pro1122Ser (NM_001252204.2); short protein forms P1122S.
Identifiers: ClinVar variation 2475100 (VCV002475100.3), dbSNP rs770277641, ClinGen allele CA3731009.